The following is an entry in ClinVar:

ClinVar aggregate classification (germline): Benign/Likely benign. Review status: criteria provided, multiple submitters, no conflicts (2 of 4 stars). 18 submissions from 18 submitters: Benign (10); Likely benign (3). 5 of the submissions do not count toward it. Last evaluated 2026-09-21.

Conditions:
Cardiovascular phenotype. Identifiers: MedGen CN230736.
Cardiomyopathy (CMYO). Also called: Cardiomyopathies. Identifiers: Orphanet 167848, MedGen C0878544, MONDO:0004994, HP:0001638. Inheritance: Various modes of inheritance.
Dilated cardiomyopathy 1DD (CMD1DD). Identifiers: Orphanet 154, MedGen C2750995, MONDO:0013168, OMIM 613172.

Allele frequency attached by ClinVar (database versions not stated): ExAC 0.00856; gnomAD exomes 0.00308 and 0.00575; ESP Exome Variant Server 0.02124; gnomAD 0.02227 and 0.02395; 1000 Genomes Project 30x 0.02795; TOPMed 0.02611; 1000 Genomes Project 0.02716.
gnomAD v4.1: 7,858 of 1,551,646 alleles (0.51%); highest among the groups gnomAD compares: African/African-American, 7.5%; 236 homozygotes.

Submissions (18):

Molecular Diagnostic Laboratory for Inherited Cardiovascular Disease, Montreal Heart Institute
Classification: Benign. Last evaluated: 2026-09-21. Review status: criteria provided, single submitter. Criteria: ACMG Guidelines, 2015. Collection method: clinical testing. Allele origin: germline. Affected: no.

Labcorp Genetics (formerly Invitae), Labcorp
Classification: Benign for Dilated cardiomyopathy 1DD. Last evaluated: 2026-02-04. Review status: criteria provided, single submitter. Criteria: Invitae Variant Classification Sherloc (09022015). Collection method: clinical testing. Allele origin: germline.

ARUP Laboratories, Molecular Genetics and Genomics, ARUP Laboratories
Classification: Benign for Dilated cardiomyopathy 1DD. Last evaluated: 2025-06-25. Review status: criteria provided, single submitter. Criteria: ARUP Molecular Germline Variant Investigation Process 2024. Collection method: clinical testing. Allele origin: germline.

Blueprint Genetics
Classification: Likely benign. Last evaluated: 2024-11-26. Review status: criteria provided, single submitter. Criteria: ACMG Guidelines, 2015. Collection method: clinical testing. Allele origin: germline.

Women's Health and Genetics/Laboratory Corporation of America, LabCorp
Classification: Benign. Last evaluated: 2019-09-16. Review status: criteria provided, single submitter. Criteria: LabCorp Variant Classification Summary - May 2015. Collection method: clinical testing. Allele origin: germline.
Comment: Variant summary: RBM20 c.695G>A (p.Gly232Asp) results in a non-conservative amino acid change in the encoded protein sequence. Three of five in-silico tools predict a damaging effect of the variant on protein function. The variant allele was found at a frequency of 0.0057 in 153792 control chromosomes, predominantly at a frequency of 0.076 within the African or African-American subpopulation in the gnomAD database, including 23 homozygotes. The observed variant frequency within African or African-American control individuals in the gnomAD database is approximately 3040 fold of the estimated maximal expected allele frequency for a pathogenic variant in RBM20 causing Cardiomyopathy phenotype (2.5e-05), strongly suggesting that the variant is a benign polymorphism found primarily in populations of African or African-American origin. To our knowledge, no occurrence of c.695G>A in individuals affected with Cardiomyopathy and no experimental evidence demonstrating its impact on protein function have been reported. Four clinical diagnostic laboratories have submitted clinical-significance assessments for this variant to ClinVar after 2014 without evidence for independent evaluation. All laboratories classified the variant as benign/likely benign. Based on the evidence outlined above, the variant was classified as benign.

Illumina Laboratory Services, Illumina
Classification: Likely benign for Dilated cardiomyopathy 1DD. Last evaluated: 2018-01-13. Review status: criteria provided, single submitter. Criteria: ICSL Variant Classification Criteria 13 December 2019. Collection method: clinical testing. Allele origin: germline.
Comment: This variant was observed in the ICSL laboratory as part of a predisposition screen in an ostensibly healthy population. It had not been previously curated by ICSL or reported in the Human Gene Mutation Database (HGMD: prior to June 1st, 2018), and was therefore a candidate for classification through an automated scoring system. Utilizing variant allele frequency, disease prevalence and penetrance estimates, and inheritance mode, an automated score was calculated to assess if this variant is too frequent to cause the disease. Based on the score and internal cut-off values, a variant classified as likely benign is not then subjected to further curation. The score for this variant resulted in a classification of likely benign for this disease.

CHEO Genetics Diagnostic Laboratory, Children's Hospital of Eastern Ontario
Classification: Benign for Cardiomyopathy. Last evaluated: 2016-07-27. Review status: criteria provided, single submitter. Criteria: ACMG Guidelines, 2015. Collection method: clinical testing. Allele origin: germline. Study: Canadian Open Genetics Repository.

Mayo Clinic Laboratories, Mayo Clinic
Classification: Benign. Last evaluated: 2016-02-23. Review status: criteria provided, single submitter. Criteria: ACMG Guidelines, 2015. Collection method: clinical testing. Allele origin: germline. Observed: 39 variant alleles.

Ambry Genetics
Classification: Benign for Cardiovascular phenotype. Last evaluated: 2015-07-08. Review status: criteria provided, single submitter. Criteria: Ambry Variant Classification Scheme 2023. Collection method: clinical testing. Allele origin: germline.

GeneDx
Classification: Benign. Last evaluated: 2013-03-12. Review status: criteria provided, single submitter. Criteria: GeneDx Variant Classification (06012015). Collection method: clinical testing. Allele origin: germline. Affected: yes.
Comment: This variant is considered likely benign or benign based on one or more of the following criteria: it is a conservative change, it occurs at a poorly conserved position in the protein, it is predicted to be benign by multiple in silico algorithms, and/or has population frequency not consistent with disease.

Laboratory for Molecular Medicine, Mass General Brigham Personalized Medicine
Classification: Benign. Last evaluated: 2012-05-22. Review status: criteria provided, single submitter. Criteria: LMM Criteria. Collection method: clinical testing. Allele origin: germline. Observed: 49 variant alleles.
Comment: 6.8% (48/702) Afr Amer chrom (ESP)

Breakthrough Genomics
Classification: Likely benign. Review status: criteria provided, single submitter. Criteria: ACMG Guidelines, 2015. Collection method: not provided. Allele origin: germline. Inheritance: Autosomal dominant inheritance. Affected: yes.

PreventionGenetics, part of Exact Sciences
Classification: Benign. Review status: criteria provided, single submitter. Criteria: ACMG Guidelines, 2015. Collection method: clinical testing. Allele origin: germline.

Clinical Genetics DNA and cytogenetics Diagnostics Lab, Erasmus MC, Erasmus Medical Center
Classification: Benign. Review status: no assertion criteria provided. Collection method: clinical testing. Allele origin: germline. Affected: yes. Study: VKGL Data-share Consensus. Not counted in ClinVar's aggregate classification.

Clinical Genetics, Academic Medical Center
Classification: Benign. Review status: no assertion criteria provided. Collection method: clinical testing. Allele origin: germline. Affected: yes. Study: VKGL Data-share Consensus. Not counted in ClinVar's aggregate classification.

Diagnostic Laboratory, Department of Genetics, University Medical Center Groningen
Classification: Likely benign for Dilated cardiomyopathy 1DD. Review status: no assertion criteria provided. Collection method: clinical testing. Allele origin: germline. Affected: yes. Study: VKGL Data-share Consensus. Not counted in ClinVar's aggregate classification.

Genome Diagnostics Laboratory, University Medical Center Utrecht
Classification: Benign. Review status: no assertion criteria provided. Collection method: clinical testing. Allele origin: germline. Affected: yes. Study: VKGL Data-share Consensus. Not counted in ClinVar's aggregate classification.

Joint Genome Diagnostic Labs from Nijmegen and Maastricht, Radboudumc and MUMC+
Classification: Benign. Review status: no assertion criteria provided. Collection method: clinical testing. Allele origin: germline. Affected: yes. Study: VKGL Data-share Consensus. Not counted in ClinVar's aggregate classification.

NM_001134363.3(RBM20):c.695G>A (p.Gly232Asp)

Gene: RBM20 (RNA binding motif protein 20; plus strand). Cytogenetic location: 10q25.2.
Variant type: single nucleotide variant.
Coding change: c.695G>A on transcript NM_001134363.3 (MANE Select); coding-DNA position 695, G replaced by A.
Protein change: p.Gly232Asp; replaces glycine 232 with aspartic acid.
Molecular consequence: missense variant.
Genome position (GRCh38, 1-based): chr10:110,781,304, G>A. VCF-style: chr10-110781304-G-A. GRCh37 (hg19) VCF-style: chr10-112541062-G-A.
Other names: p.G232D:GGC>GAC; short protein forms G232D.
Identifiers: ClinVar variation 44025 (VCV000044025.43), dbSNP rs61735268, ClinGen allele CA133411.